The following is an entry in ClinVar:

NM_004415.4(DSP):c.9C>G (p.Cys3Trp)

Genes: DSP (desmoplakin; plus strand), DSP-AS1 (DSP antisense RNA 1; minus strand). Cytogenetic location: 6p24.3.
Variant type: single nucleotide variant.
Coding change: c.9C>G on transcript NM_004415.4 (MANE Select); coding-DNA position 9, C replaced by G.
Protein change: p.Cys3Trp; replaces cysteine 3 with tryptophan.
Molecular consequence: missense variant.
Genome position (GRCh38, 1-based): chr6:7,541,924, C>G. VCF-style: chr6-7541924-C-G. GRCh37 (hg19) VCF-style: chr6-7542157-C-G.
Other names: c.9C>G, p.Cys3Trp (NM_001008844.3, NM_001319034.2); short protein forms C3W.
Identifiers: ClinVar variation 1305568 (VCV001305568.3), dbSNP rs769032973, ClinGen allele CA362675421.

ClinVar aggregate classification (germline): Uncertain significance (1 of 4 stars; one submission).

gnomAD v4.1: 2 of 1,608,808 alleles (0.00012%); highest among the groups gnomAD compares: Non-Finnish European, 0.00017%; no homozygotes.

Submission:

GeneDx
Classification: Uncertain significance. Last evaluated: 2023-03-01. Review status: criteria provided, single submitter. Criteria: GeneDx Variant Classification Process June 2021. Collection method: clinical testing. Allele origin: germline. Affected: yes.
Comment: Not observed at significant frequency in large population cohorts (gnomAD); In silico analysis supports that this missense variant does not alter protein structure/function; Has not been previously published as pathogenic or benign to our knowledge